The following is an entry in ClinVar:

NM_003072.5(SMARCA4):c.2716C>T (p.Arg906Cys)

Gene: SMARCA4 (SWI/SNF related BAF chromatin remodeling complex subunit ATPase 4; plus strand). Cytogenetic location: 19p13.2.
Variant type: single nucleotide variant.
Coding change: c.2716C>T on transcript NM_003072.5 (MANE Select); coding-DNA position 2716, C replaced by T.
Protein change: p.Arg906Cys; replaces arginine 906 with cysteine.
Molecular consequence: missense variant. On other transcripts: non-coding transcript variant (1).
Genome position (GRCh38, 1-based): chr19:11,021,824, C>T. VCF-style: chr19-11021824-C-T. GRCh37 (hg19) VCF-style: chr19-11132500-C-T.
Other names: c.2716C>T, p.Arg906Cys (NM_001128844.3, NM_001128845.2, NM_001128846.2 and 5 more transcripts); short protein forms R906C.
Identifiers: ClinVar variation 421281 (VCV000421281.18), dbSNP rs898406635, ClinGen allele CA16620731.

ClinVar aggregate classification (germline): Conflicting classifications of pathogenicity. Review status: criteria provided, conflicting classifications (1 of 4 stars). 6 submissions from 6 submitters: Likely pathogenic (2); Uncertain significance (3). 1 of the submissions does not count toward it. Last evaluated 2025-08-28.

Conditions:
Intellectual disability, autosomal dominant 16 (CSS4). Also called: COFFIN-SIRIS SYNDROME 4. Identifiers: Orphanet 1465, MedGen C3553249, MONDO:0013821, OMIM 614609.
Rhabdoid tumor predisposition syndrome 2 (RTPS2). Identifiers: Orphanet 231108, Orphanet 69077, MedGen C2750074, MONDO:0013224, OMIM 613325.
Hereditary cancer-predisposing syndrome. Also called: Hereditary neoplastic syndrome; Tumor predisposition; Neoplastic Syndromes, Hereditary; Hereditary Cancer Syndrome. Identifiers: Orphanet 140162, MedGen C0027672, MeSH D009386, MONDO:0015356.

Submissions (6):

Ambry Genetics
Classification: Likely pathogenic for Hereditary cancer-predisposing syndrome. Last evaluated: 2025-08-28. Review status: criteria provided, single submitter. Criteria: Ambry Variant Classification Scheme 2023. Collection method: clinical testing. Allele origin: germline.
Comment: The c.2716C>T (p.R906C) alteration is located in exon 19 (coding exon 18) of the SMARCA4 gene. This alteration results from a C to T substitution at nucleotide position 2716, causing the arginine (R) at amino acid position 906 to be replaced by a cysteine (C). for Coffin-Siris syndrome; however, it is unlikely to be causative of rhabdoid tumor predisposition syndrome. This variant was not reported in population-based cohorts in the Genome Aggregation Database (gnomAD). This variant has been determined to be the result of a de novo mutation in multiple individuals with features consistent with Coffin-Siris syndrome (Zhou, 2022; Hamanaka, 2022; Ambry internal data). This amino acid position is highly conserved in available vertebrate species. This missense alteration is located in a region that has a low rate of benign missense variation (Lek, 2016; Firth, 2009). This alteration is predicted to be deleterious by in silico analysis. Based on the available evidence, this alteration is classified as likely pathogenic.

Baylor Genetics
Classification: Uncertain significance for Rhabdoid tumor predisposition syndrome 2. Last evaluated: 2023-12-22. Review status: criteria provided, single submitter. Criteria: ACMG Guidelines, 2015. Collection method: clinical testing. Allele origin: unknown.

GeneDx
Classification: Likely pathogenic. Last evaluated: 2021-07-19. Review status: criteria provided, single submitter. Criteria: GeneDx Variant Classification Process June 2021. Collection method: clinical testing. Allele origin: germline. Affected: yes.
Comment: Not observed in large population cohorts (Lek 2016); In silico analysis supports that this missense variant has a deleterious effect on protein structure/function; Has not been previously published as pathogenic or benign to our knowledge; This variant is associated with the following publications: (PMID: 24658002, 23718828)

Genome-Nilou Lab
Classification: Uncertain significance for Intellectual disability, autosomal dominant 16. Last evaluated: 2021-07-15. Review status: criteria provided, single submitter. Criteria: ACMG Guidelines, 2015. Collection method: clinical testing. Allele origin: germline. Affected: no.

ARUP Laboratories, Molecular Genetics and Genomics, ARUP Laboratories
Classification: Uncertain significance. Last evaluated: 2020-03-25. Review status: criteria provided, single submitter. Criteria: ARUP Molecular Germline Variant Investigation Process. Collection method: clinical testing. Allele origin: germline.
Comment: The SMARCA4 c.2716C>T; p.Arg906Cys variant (rs898406635), to our knowledge, is not reported in the medical literature as a germline variant but has been reported as a somatic variant in at least 2 individuals with different cancers (rectum and head and neck squamous cell carcinoma) (COSMIC: COSV60811731 and Lechner 2013). This variant is also reported in ClinVar (Variation ID: 421281) but is absent from general population databases (Exome Variant Server, Genome Aggregation Database), indicating it is not a common polymorphism. The arginine at codon 906 is highly conserved, and computational analyses (SIFT, PolyPhen-2) predict that this variant is deleterious. Due to limited information, the clinical significance of the c.2716C>T variant is uncertain at this time.

Clinical Genomics Laboratory, Stanford Medicine
Classification: Uncertain significance for Intellectual disability, autosomal dominant 16. Last evaluated: 2019-08-08. Review status: no assertion criteria provided. Collection method: clinical testing. Allele origin: germline. Inheritance: Autosomal dominant inheritance. Affected: yes. Not counted in ClinVar's aggregate classification.
Comment: This variant was absent from large population databases, including the Genome Aggregation Database. The SMARCA4 gene has fewer missense variants in the general population than expected. A low rate of missense variation may suggest that this gene is intolerant to missense variation. Computational tools predict that p.Arg906Cys is deleterious; however, the accuracy of in silico algorithms is limited. These data were assessed using the ACMG/AMP variant interpretation guidelines. In summary, the significance of the p.Arg906Cys variant is uncertain; however, there is suspicion that this variant could be associated with CoffinSiris syndrome due to the previous identification of this variant de novo in an individual with neurologic disease and the predicted impact to the protein. Additional information is needed to resolve the significance of this variant. [ACMG evidence codes used: PS2_Supporting, PM2, PP2, PP3]

Literature cited by the submitters: PubMed 35468861 (cited by Ambry Genetics); PubMed 35982159 (cited by Ambry Genetics).